The following is an entry in ClinVar:

ClinVar aggregate classification (germline): Uncertain significance (1 of 4 stars; one submission).

Submission:

Labcorp Genetics (formerly Invitae), Labcorp
Classification: Uncertain significance. Last evaluated: 2022-09-19. Review status: criteria provided, single submitter. Criteria: Invitae Variant Classification Sherloc (09022015). Collection method: clinical testing. Allele origin: germline.
Comment: In summary, the available evidence is currently insufficient to determine the role of this variant in disease. Therefore, it has been classified as a Variant of Uncertain Significance. This variant has not been reported in the literature in individuals affected with COL4A4-related conditions. A copy number gain of the genomic region encompassing the full coding sequence of the COL4A4 gene has been identified. The boundaries of this event are unknown as they extend beyond the assayed region for this gene and therefore may encompass additional genes. As the precise location of this event is unknown, it may be in tandem or it may be located elsewhere in the genome.

NC_000002.11:g.(?_227659726)_(228175684_?)dup

Genes: COL4A3 (collagen type IV alpha 3 chain; plus strand), COL4A4 (collagen type IV alpha 4 chain; minus strand), IRS1 (insulin receptor substrate 1; minus strand), RHBDD1 (rhomboid domain containing 1; plus strand). Cytogenetic location: 2q36.3.
Variant type: Duplication.
Identifiers: ClinVar variation 1419797 (VCV001419797.5).